The following is an entry in ClinVar:

ClinVar aggregate classification (germline): Pathogenic (1 of 4 stars; one submission).

Conditions:
Glycogen storage disease IXc (GSD9C). Also called: GSD IXc. Identifiers: Orphanet 264580, MedGen C2751643, MONDO:0013091, OMIM 613027.

Submission:

Labcorp Genetics (formerly Invitae), Labcorp
Classification: Pathogenic for Glycogen storage disease IXc. Last evaluated: 2022-08-11. Review status: criteria provided, single submitter. Criteria: Invitae Variant Classification Sherloc (09022015). Collection method: clinical testing. Allele origin: germline.
Comment: This sequence change creates a premature translational stop signal (p.Pro276Leufs*5) in the PHKG2 gene. It is expected to result in an absent or disrupted protein product. Loss-of-function variants in PHKG2 are known to be pathogenic (PMID: 8896567, 17689125, 21646031). This variant has not been reported in the literature in individuals affected with PHKG2-related conditions. For these reasons, this variant has been classified as Pathogenic. This variant is not present in population databases (gnomAD no frequency).

Literature cited by the submitters: PubMed 8896567; PubMed 17689125; PubMed 21646031.

NM_000294.3(PHKG2):c.827del (p.Pro276fs)

Gene: PHKG2 (phosphorylase kinase catalytic subunit gamma 2; plus strand). Cytogenetic location: 16p11.2.
Variant type: Deletion.
Coding change: c.827del on transcript NM_000294.3 (MANE Select); coding-DNA position 827, one base deleted (C; older notation c.827delC).
Protein change: p.Pro276fs; shifts the reading frame from proline 276.
Molecular consequence: frameshift variant.
Genome position (GRCh38, 1-based): chr16:30,756,615, C deleted; the last of 2 consecutive C bases (chr16:30,756,614-30,756,615); deleting either gives the same sequence. VCF-style (leftmost placement, unchanged base first): chr16-30756613-TC-T. GRCh37 (hg19) VCF-style: chr16-30767934-TC-T.
Other names: c.827del, p.Pro276fs (NM_001172432.2); short protein forms P276fs.
Identifiers: ClinVar variation 2023570 (VCV002023570.4), dbSNP rs2543470691, ClinGen allele CA2580091498.